The following is an entry in ClinVar:

ClinVar aggregate classification (germline): Uncertain significance (1 of 4 stars; one submission).

Conditions:
Developmental and epileptic encephalopathy, 30 (DEE30). Also called: Epileptic encephalopathy, early infantile, 30. Identifiers: MedGen C4225360, MONDO:0014595, OMIM 616341.

Submission:

Labcorp Genetics (formerly Invitae), Labcorp
Classification: Uncertain significance for Developmental and epileptic encephalopathy, 30. Last evaluated: 2024-11-18. Review status: criteria provided, single submitter. Criteria: Invitae Variant Classification Sherloc (09022015). Collection method: clinical testing. Allele origin: germline.
Comment: This sequence change replaces serine, which is neutral and polar, with glycine, which is neutral and non-polar, at codon 426 of the SIK1 protein (p.Ser426Gly). This variant is not present in population databases (gnomAD no frequency). This variant has not been reported in the literature in individuals affected with SIK1-related conditions. Invitae Evidence Modeling of protein sequence and biophysical properties (such as structural, functional, and spatial information, amino acid conservation, physicochemical variation, residue mobility, and thermodynamic stability) indicates that this missense variant is not expected to disrupt SIK1 protein function with a negative predictive value of 95%. In summary, the available evidence is currently insufficient to determine the role of this variant in disease. Therefore, it has been classified as a Variant of Uncertain Significance.

NM_173354.5(SIK1):c.1276A>G (p.Ser426Gly)

Gene: SIK1 (salt inducible kinase 1; minus strand). Cytogenetic location: 21q22.3.
Variant type: single nucleotide variant.
Coding change: c.1276A>G on transcript NM_173354.5 (MANE Select); coding-DNA position 1276, A replaced by G.
Protein change: p.Ser426Gly; replaces serine 426 with glycine.
Molecular consequence: missense variant.
Genome position (GRCh38, 1-based): chr21:43,419,207, T>C on the plus strand (A>G on the coding strand, the complement: SIK1 is on the minus strand). VCF-style: chr21-43419207-T-C. GRCh37 (hg19) VCF-style: chr21-44839087-T-C.
Other names: short protein forms S426G.
Identifiers: ClinVar variation 3613468 (VCV003613468.2).